The following is an entry in ClinVar:

ClinVar aggregate classification (germline): Uncertain significance (1 of 4 stars; one submission).

Conditions:
Familial adenomatous polyposis 1 (FAP1). Also called: FAMILIAL ADENOMATOUS POLYPOSIS 1, ATTENUATED; POLYPOSIS, ADENOMATOUS INTESTINAL. Identifiers: MedGen C2713442, MONDO:0021056, OMIM 175100. Disease mechanism: loss of function.

Allele frequency attached by ClinVar (database versions not stated): gnomAD 0.00001.
gnomAD v4.1: 1 of 1,613,906 alleles (0.000062%); highest among the groups gnomAD compares: Non-Finnish European, 0.000085%; no homozygotes.

Submission:

Labcorp Genetics (formerly Invitae), Labcorp
Classification: Uncertain significance for Familial adenomatous polyposis 1. Last evaluated: 2024-04-15. Review status: criteria provided, single submitter. Criteria: Invitae Variant Classification Sherloc (09022015). Collection method: clinical testing. Allele origin: germline.
Comment: This sequence change replaces arginine, which is basic and polar, with methionine, which is neutral and non-polar, at codon 733 of the APC protein (p.Arg733Met). This variant is present in population databases (no rsID available, gnomAD 0.007%). This variant has not been reported in the literature in individuals affected with APC-related conditions. ClinVar contains an entry for this variant (Variation ID: 1039102). Advanced modeling of protein sequence and biophysical properties (such as structural, functional, and spatial information, amino acid conservation, physicochemical variation, residue mobility, and thermodynamic stability) performed at Invitae indicates that this missense variant is not expected to disrupt APC protein function with a negative predictive value of 95%. In summary, the available evidence is currently insufficient to determine the role of this variant in disease. Therefore, it has been classified as a Variant of Uncertain Significance.

NM_000038.6(APC):c.2198G>T (p.Arg733Met)

Gene: APC (APC regulator of Wnt signaling pathway; plus strand). Cytogenetic location: 5q22.2.
Variant type: single nucleotide variant.
Coding change: c.2198G>T on transcript NM_000038.6 (MANE Select); coding-DNA position 2198, G replaced by T.
Protein change: p.Arg733Met; replaces arginine 733 with methionine.
Molecular consequence: missense variant.
Genome position (GRCh38, 1-based): chr5:112,837,792, G>T. VCF-style: chr5-112837792-G-T. GRCh37 (hg19) VCF-style: chr5-112173489-G-T.
Other names: c.2198G>T, p.Arg733Met (NM_001127510.3, NM_001354895.2); c.2144G>T, p.Arg715Met (NM_001127511.3); c.2252G>T, p.Arg751Met (NM_001354896.2); c.2228G>T, p.Arg743Met (NM_001354897.2); c.2123G>T, p.Arg708Met (NM_001354898.2); c.2114G>T, p.Arg705Met (NM_001354899.2); c.2075G>T, p.Arg692Met (NM_001354900.2); c.2021G>T, p.Arg674Met (NM_001354901.2); and 5 more; short protein forms R607M, R632M, R708M, R751M, R573M, R692M, R733M, R743M.
Identifiers: ClinVar variation 1039102 (VCV001039102.10), dbSNP rs1180331455, ClinGen allele CA16026149.